The following is an entry in ClinVar:

ClinVar aggregate classification (germline): Uncertain significance. Review status: criteria provided, multiple submitters, no conflicts (2 of 4 stars). 3 submissions from 3 submitters: Uncertain significance (3). Last evaluated 2025-08-28.

Conditions:
Spinocerebellar ataxia type 19/22 (SCA19). Also called: SPINOCEREBELLAR ATAXIA 19; SPINOCEREBELLAR ATAXIA 22. Identifiers: Orphanet 98772, MedGen C1846367, MONDO:0011819, OMIM 607346.

Allele frequency attached by ClinVar (database versions not stated): gnomAD exomes below 0.00001; TOPMed below 0.00001.
gnomAD v4.1: 4 of 1,612,666 alleles (0.00025%); highest among the groups gnomAD compares: Admixed American, 0.0017%; no homozygotes.

Submissions (3):

Labcorp Genetics (formerly Invitae), Labcorp
Classification: Uncertain significance for Spinocerebellar ataxia type 19/22. Last evaluated: 2025-08-28. Review status: criteria provided, single submitter. Criteria: Invitae Variant Classification Sherloc (09022015). Collection method: clinical testing. Allele origin: germline.
Comment: This sequence change replaces arginine, which is basic and polar, with cysteine, which is neutral and slightly polar, at codon 426 of the KCND3 protein (p.Arg426Cys). This variant is not present in population databases (gnomAD no frequency). This variant has not been reported in the literature in individuals affected with KCND3-related conditions. ClinVar contains an entry for this variant (Variation ID: 1677507). Invitae Evidence Modeling of protein sequence and biophysical properties (such as structural, functional, and spatial information, amino acid conservation, physicochemical variation, residue mobility, and thermodynamic stability) has been performed for this missense variant. However, the output from this modeling did not meet the statistical confidence thresholds required to predict the impact of this variant on KCND3 protein function. In summary, the available evidence is currently insufficient to determine the role of this variant in disease. Therefore, it has been classified as a Variant of Uncertain Significance.

GeneDx
Classification: Uncertain significance. Last evaluated: 2023-03-28. Review status: criteria provided, single submitter. Criteria: GeneDx Variant Classification Process June 2021. Collection method: clinical testing. Allele origin: germline. Affected: yes.
Comment: Not observed at significant frequency in large population cohorts (gnomAD); In silico analysis supports that this missense variant has a deleterious effect on protein structure/function; Has not been previously published as pathogenic or benign to our knowledge

AiLife Diagnostics
Classification: Uncertain significance. Last evaluated: 2021-09-18. Review status: criteria provided, single submitter. Criteria: ACMG Guidelines, 2015. Collection method: clinical testing. Allele origin: germline. Affected: yes. Observed: 1 variant allele.

NM_001378969.1(KCND3):c.1276C>T (p.Arg426Cys)

Gene: KCND3 (potassium voltage-gated channel subfamily D member 3; minus strand). Cytogenetic location: 1p13.2.
Variant type: single nucleotide variant.
Coding change: c.1276C>T on transcript NM_001378969.1 (MANE Select); coding-DNA position 1276, C replaced by T.
Protein change: p.Arg426Cys; replaces arginine 426 with cysteine.
Molecular consequence: missense variant.
Genome position (GRCh38, 1-based): chr1:111,780,785, G>A on the plus strand (C>T on the coding strand, the complement: KCND3 is on the minus strand). VCF-style: chr1-111780785-G-A. GRCh37 (hg19) VCF-style: chr1-112323407-G-A.
Other names: c.1276C>T, p.Arg426Cys (NM_001378970.1, NM_004980.5, NM_172198.3); c.1276C>T (NM_004980.4); short protein forms R426C.
Identifiers: ClinVar variation 1677507 (VCV001677507.3), dbSNP rs770489870, ClinGen allele CA28900603.
Genomic context (GRCh38, chr1:111,780,785, plus strand): 5'-GCTTGCTGTGCAGGTATGCATTCGAACTGCCTGTTTTGGCCACACGGATCCTGGCAAGGC[G>A]GGCCTTCTGTGATTGGCAGAGATAATAAAAGAATGAGGCAGACCATGATACAAAAAGACA-3'
Protein context (NP_001365898.1, residues 416-436): ADKRRAQKKA[Arg426Cys]LARIRVAKTG